The following is an entry in ClinVar:

NM_001282116.2(RFX3):c.523C>T (p.His175Tyr)

Gene: RFX3 (regulatory factor X3; minus strand). Cytogenetic location: 9p24.2.
Variant type: single nucleotide variant.
Coding change: c.523C>T on transcript NM_001282116.2 (MANE Select); coding-DNA position 523, C replaced by T.
Protein change: p.His175Tyr; replaces histidine 175 with tyrosine.
Molecular consequence: missense variant.
Genome position (GRCh38, 1-based): chr9:3,301,572, G>A on the plus strand (C>T on the coding strand, the complement: RFX3 is on the minus strand). VCF-style: chr9-3301572-G-A. GRCh37 (hg19) VCF-style: chr9-3301572-G-A.
Other names: c.523C>T, p.His175Tyr (NM_001282117.2, NM_001377999.1, NM_002919.4 and 1 more transcripts); short protein forms H175Y.
Identifiers: ClinVar variation 3343540 (VCV003343540.2).

ClinVar aggregate classification (germline): Uncertain significance (1 of 4 stars; one submission).

Submission:

GeneDx
Classification: Uncertain significance. Last evaluated: 2026-02-06. Review status: criteria provided, single submitter. Criteria: GeneDx Variant Classification Process June 2021. Collection method: clinical testing. Allele origin: germline.
Comment: Not observed at significant frequency in large population cohorts (gnomAD); In silico analysis suggests that this missense variant does not alter protein structure/function; Has not been previously published as pathogenic or benign to our knowledge